The following is an entry in ClinVar:

NM_002972.4(SBF1):c.5153G>A (p.Gly1718Asp)

Gene: SBF1 (SET binding factor 1; minus strand). Cytogenetic location: 22q13.33.
Variant type: single nucleotide variant.
Coding change: c.5153G>A on transcript NM_002972.4 (MANE Select); coding-DNA position 5153, G replaced by A.
Protein change: p.Gly1718Asp; replaces glycine 1718 with aspartic acid.
Molecular consequence: missense variant.
Genome position (GRCh38, 1-based): chr22:50,448,443, C>T on the plus strand (G>A on the coding strand, the complement: SBF1 is on the minus strand). VCF-style: chr22-50448443-C-T. GRCh37 (hg19) VCF-style: chr22-50886872-C-T.
Other names: c.5078G>A, p.Gly1693Asp (NM_001365819.1); short protein forms G1693D, G1718D.
Identifiers: ClinVar variation 809387 (VCV000809387.45), dbSNP rs376937027, ClinGen allele CA10315947.

ClinVar aggregate classification (germline): Uncertain significance. Review status: criteria provided, multiple submitters, no conflicts (2 of 4 stars). 3 submissions from 3 submitters: Uncertain significance (3). Last evaluated 2022-05-22.

Allele frequency attached by ClinVar (database versions not stated): gnomAD 0.00004; gnomAD exomes 0.00004 and 0.00009; TOPMed 0.00005; ExAC 0.00007; ESP Exome Variant Server 0.00008.
gnomAD v4.1: 140 of 1,613,418 alleles (0.0087%); highest among the groups gnomAD compares: Non-Finnish European, 0.011%; no homozygotes.

Submissions (3):

Labcorp Genetics (formerly Invitae), Labcorp
Classification: Uncertain significance. Last evaluated: 2022-05-22. Review status: criteria provided, single submitter. Criteria: Invitae Variant Classification Sherloc (09022015). Collection method: clinical testing. Allele origin: germline.
Comment: This sequence change replaces glycine, which is neutral and non-polar, with aspartic acid, which is acidic and polar, at codon 1718 of the SBF1 protein (p.Gly1718Asp). This variant is present in population databases (rs376937027, gnomAD 0.009%). This variant has not been reported in the literature in individuals affected with SBF1-related conditions. ClinVar contains an entry for this variant (Variation ID: 809387). Algorithms developed to predict the effect of missense changes on protein structure and function (SIFT, PolyPhen-2, Align-GVGD) all suggest that this variant is likely to be tolerated. In summary, the available evidence is currently insufficient to determine the role of this variant in disease. Therefore, it has been classified as a Variant of Uncertain Significance.

GeneDx
Classification: Uncertain significance. Last evaluated: 2021-04-20. Review status: criteria provided, single submitter. Criteria: GeneDx Variant Classification Process June 2021. Collection method: clinical testing. Allele origin: germline. Affected: yes.
Comment: Not observed at a significant frequency in large population cohorts (Lek et al., 2016); In silico analysis supports that this missense variant does not alter protein structure/function; Has not been previously published as pathogenic or benign to our knowledge

CeGaT Center for Human Genetics Tuebingen
Classification: Uncertain significance. Last evaluated: 2016-07-01. Review status: criteria provided, single submitter. Criteria: CeGaT Center For Human Genetics Tuebingen Variant Classification Criteria Version 2. Collection method: clinical testing. Allele origin: germline. Affected: yes. Observed: 1 variant allele.